The following is an entry in ClinVar:

ClinVar aggregate classification (germline): Uncertain significance. Review status: criteria provided, multiple submitters, no conflicts (2 of 4 stars). 4 submissions from 4 submitters: Uncertain significance (4). Last evaluated 2025-04-30.

Conditions:
Hypertrophic cardiomyopathy 14. Identifiers: MedGen C2750467, MONDO:0013197, OMIM 613251.
Cardiovascular phenotype. Identifiers: MedGen CN230736.

Allele frequency attached by ClinVar (database versions not stated): gnomAD 0.00001; gnomAD exomes 0.00002; TOPMed 0.00002; ExAC 0.00003.
gnomAD v4.1: 26 of 1,614,116 alleles (0.0016%); highest among the groups gnomAD compares: Non-Finnish European, 0.0022%; no homozygotes.

Submissions (4):

Labcorp Genetics (formerly Invitae), Labcorp
Classification: Uncertain significance for Hypertrophic cardiomyopathy 14. Last evaluated: 2025-04-30. Review status: criteria provided, single submitter. Criteria: Invitae Variant Classification Sherloc (09022015). Collection method: clinical testing. Allele origin: germline.
Comment: This sequence change replaces alanine, which is neutral and non-polar, with aspartic acid, which is acidic and polar, at codon 1779 of the MYH6 protein (p.Ala1779Asp). This variant is present in population databases (rs769271404, gnomAD 0.004%). This variant has not been reported in the literature in individuals affected with MYH6-related conditions. ClinVar contains an entry for this variant (Variation ID: 222718). Invitae Evidence Modeling of protein sequence and biophysical properties (such as structural, functional, and spatial information, amino acid conservation, physicochemical variation, residue mobility, and thermodynamic stability) indicates that this missense variant is not expected to disrupt MYH6 protein function with a negative predictive value of 80%. In summary, the available evidence is currently insufficient to determine the role of this variant in disease. Therefore, it has been classified as a Variant of Uncertain Significance.

Blueprint Genetics
Classification: Uncertain significance. Last evaluated: 2024-11-21. Review status: criteria provided, single submitter. Criteria: ACMG Guidelines, 2015. Collection method: clinical testing. Allele origin: germline.

GeneDx
Classification: Uncertain significance. Last evaluated: 2023-04-18. Review status: criteria provided, single submitter. Criteria: GeneDx Variant Classification Process June 2021. Collection method: clinical testing. Allele origin: germline. Affected: yes.
Comment: Not observed at significant frequency in large population cohorts (gnomAD); In silico analysis supports that this missense variant has a deleterious effect on protein structure/function; Has not been previously published as pathogenic or benign to our knowledge

Ambry Genetics
Classification: Uncertain significance for Cardiovascular phenotype. Last evaluated: 2016-09-23. Review status: criteria provided, single submitter. Criteria: Ambry Variant Classification Scheme 2023. Collection method: clinical testing. Allele origin: germline.
Comment: The p.A1779D variant (also known as c.5336C>A), located in coding exon 34 of the MYH6 gene, results from a C to A substitution at nucleotide position 5336. The alanine at codon 1779 is replaced by aspartic acid, an amino acid with dissimilar properties. This variant was previously reported in the SNPDatabase as rs769271404. Based on data from ExAC, the A allele has an overall frequency of less than 0.01% (3/106190). This variant was not reported in population based cohorts in the following databases: NHLBI Exome Sequencing Project (ESP), and 1000 Genomes Project. In the ESP, this variant was not observed in 6503 samples (13006 alleles) with coverage at this position. This amino acid position is highly conserved in available vertebrate species. In addition, this alteration is predicted to be deleterious by in silico analysis. Since supporting evidence is limited at this time, the clinical significance of this variant remains unclear.

NM_002471.4(MYH6):c.5336C>A (p.Ala1779Asp)

Gene: MYH6 (myosin heavy chain 6; minus strand). Cytogenetic location: 14q11.2.
Variant type: single nucleotide variant.
Coding change: c.5336C>A on transcript NM_002471.4 (MANE Select); coding-DNA position 5336, C replaced by A.
Protein change: p.Ala1779Asp; replaces alanine 1779 with aspartic acid.
Molecular consequence: missense variant.
Genome position (GRCh38, 1-based): chr14:23,384,671, G>T on the plus strand (C>A on the coding strand, the complement: MYH6 is on the minus strand). VCF-style: chr14-23384671-G-T. GRCh37 (hg19) VCF-style: chr14-23853880-G-T.
Other names: short protein forms A1779D.
Identifiers: ClinVar variation 222718 (VCV000222718.13), dbSNP rs769271404, ClinGen allele CA354886.